The following is an entry in ClinVar:

NM_001127208.3(TET2):c.896A>T (p.Asp299Val)

Genes: TET2 (tet methylcytosine dioxygenase 2; plus strand), TET2-AS1 (TET2 antisense RNA 1; minus strand). Cytogenetic location: 4q24.
Variant type: single nucleotide variant.
Coding change: c.896A>T on transcript NM_001127208.3 (MANE Select); coding-DNA position 896, A replaced by T.
Protein change: p.Asp299Val; replaces aspartic acid 299 with valine.
Molecular consequence: missense variant.
Genome position (GRCh38, 1-based): chr4:105,234,838, A>T. VCF-style: chr4-105234838-A-T. GRCh37 (hg19) VCF-style: chr4-106155995-A-T.
Other names: c.896A>T, p.Asp299Val (NM_017628.4); short protein forms D299V.
Identifiers: ClinVar variation 3806091 (VCV003806091.1).

ClinVar aggregate classification (germline): Uncertain significance (1 of 4 stars; one submission).

gnomAD v4.1: 2 of 1,614,044 alleles (0.00012%); highest among the groups gnomAD compares: Non-Finnish European, 0.00017%; no homozygotes.

Submission:

Ambry Genetics
Classification: Uncertain significance. Last evaluated: 2025-02-26. Review status: criteria provided, single submitter. Criteria: Ambry Variant Classification Scheme 2023. Collection method: clinical testing. Allele origin: germline.
Comment: The p.D299V variant (also known as c.896A>T), located in coding exon 1 of the TET2 gene, results from an A to T substitution at nucleotide position 896. The aspartic acid at codon 299 is replaced by valine, an amino acid with highly dissimilar properties. This amino acid position is conserved. In addition, this alteration is predicted to be tolerated by in silico analysis. Based on the available evidence, the clinical significance of this variant remains unclear.